The following is an entry in ClinVar:

ClinVar aggregate classification (germline): Pathogenic. Review status: reviewed by expert panel (3 of 4 stars). 2 submissions from 2 submitters: Pathogenic (1). 1 of the submissions does not count toward it. Last evaluated 2025-03-31.

Conditions:
RPE65-related recessive retinopathy. Also called: Recessive RPE65 retinopathy. Identifiers: MedGen CN305526, MONDO:0100368.

Submissions (2):

ClinGen Leber Congenital Amaurosis/early Onset Retinal Dystrophy Variant Curation Expert Panel, ClinGen
Classification: Pathogenic for RPE65-related recessive retinopathy. Last evaluated: 2025-03-31. Review status: reviewed by expert panel. Criteria: ClinGen LCAeoRD ACMG Specifications RPE65 V1.0.0. Collection method: curation. Allele origin: germline. Inheritance: Autosomal recessive inheritance.
Comment: NM_000329.3(RPE65):c.1243+2T>A is a non-coding variant that disrupts a canonical splice donor site in intron 11 at the junction with exon 11 and is predicted to impact splicing. This prediction has been confirmed by a minigene assay showing complete disruption of splicing and production of an alternative transcript with an out-of-frame insertion of 94 bp. Sequencing of minigene products indicate that this insertion corresponds to the insertion of the complete intron 11 into the transcript, which upon manual review of predicted sequencing and amino acid products appears to results in a termination codon (PMID 25383945, PVS1(RNA)). This variant is absent from gnomAD v4.1.0 (PM2_Supporting). At least one proband harboring this variant exhibits a phenotype including clinical diagnosis of early onset severe retinal dystrophy congenital night blindness (0.5), pigmentary retinopathy with attenuated vessels (0.5), white/yellow dots on color photography (2), and symptomatic onset between birth and age five years (1), which together are specific for RPE65-related recessive retinopathy (4 points, PMID: 25383945, PP4). In summary, this variant meets the criteria to be classified as pathogenic for RPE65-related recessive retinopathy based on the ACMG/AMP criteria applied, as specified by the ClinGen LCA / eoRD VCEP: PVS1(RNA), PM2_Supporting, PP4 (VCEP specifications version 1.0.0; date of approval 09/21/2023).

Myriad Genetics, Inc.
Classification: Likely pathogenic for RPE65-related recessive retinopathy. Last evaluated: 2025-09-18. Review status: criteria provided, single submitter. Criteria: Myriad Autosomal Dominant, Autosomal Recessive and X-Linked Classification Criteria (2023). Collection method: clinical testing. Allele origin: unknown. Not counted in ClinVar's aggregate classification.
Comment: NM_000329.2(RPE65):c.1243+2T>A is a variant in a canonical splice site classified as likely pathogenic in the context of inherited retinal dystrophy, RPE65-related. c.1243+2T>A has been observed in a case with relevant disease (PMID: 25383945). Relevant functional assessments of this variant are available in the literature (PMID: 25383945). c.1243+2T>A has not been observed in referenced population frequency databases. In summary, NM_000329.2(RPE65):c.1243+2T>A is a variant in a canonical splice site in a gene where loss of function is a known mechanism of disease, is predicted to disrupt protein function, and has been observed more frequently in cases with the relevant disease than in healthy populations. Please note: this variant was assessed in the context of healthy population screening.

Literature cited by the submitters: PubMed 25383945 (cited by Myriad Genetics, Inc.).

NM_000329.3(RPE65):c.1243+2T>A

Gene: RPE65 (retinoid isomerohydrolase RPE65; minus strand). Cytogenetic location: 1p31.3.
Variant type: single nucleotide variant.
Coding change: c.1243+2T>A on transcript NM_000329.3 (MANE Select); the canonical splice donor site of the intron after coding-DNA position 1243, T replaced by A.
Molecular consequence: splice donor variant.
Genome position (GRCh38, 1-based): chr1:68,431,469, A>T on the plus strand (T>A on the coding strand, the complement: RPE65 is on the minus strand). VCF-style: chr1-68431469-A-T. GRCh37 (hg19) VCF-style: chr1-68897152-A-T.
Other names: NM_000329.3:c.1243+2T>A; c.967+2T>A (NM_001406857.1, NM_001406856.1); c.1135+2T>A (NM_001406853.1).
Identifiers: ClinVar variation 3775069 (VCV003775069.2).